The following is an entry in ClinVar:

NM_058216.3(RAD51C):c.706-2A>C

Gene: RAD51C (RAD51 paralog C; plus strand). Cytogenetic location: 17q22.
Variant type: single nucleotide variant.
Coding change: c.706-2A>C on transcript NM_058216.3 (MANE Select); the canonical splice acceptor site of the intron before coding-DNA position 706, A replaced by C.
Molecular consequence: splice acceptor variant.
Genome position (GRCh38, 1-based): chr17:58,709,857, A>C. VCF-style: chr17-58709857-A-C. GRCh37 (hg19) VCF-style: chr17-56787218-A-C.
Identifiers: ClinVar variation 631112 (VCV000631112.20), dbSNP rs587780259, ClinGen allele CA400353033.

ClinVar aggregate classification (germline): Pathogenic/Likely pathogenic. Review status: criteria provided, multiple submitters, no conflicts (2 of 4 stars). 7 submissions from 7 submitters: Pathogenic (1); Likely pathogenic (5). 1 of the submissions does not count toward it. Last evaluated 2025-05-11.

Conditions:
Breast-ovarian cancer, familial, susceptibility to, 3. Also called: RAD51C-Related Breast/Ovarian Cancer. Identifiers: Orphanet 145, MedGen C3150659, MONDO:0013253, OMIM 613399.
Fanconi anemia complementation group O. Also called: RAD51C-Related Fanconi Anemia. Identifiers: Orphanet 84, MedGen C3150653, MONDO:0013248, OMIM 613390.
Hereditary cancer-predisposing syndrome. Also called: Hereditary Cancer Syndrome; Neoplastic Syndromes, Hereditary; Tumor predisposition; Hereditary neoplastic syndrome. Identifiers: Orphanet 140162, MedGen C0027672, MeSH D009386, MONDO:0015356.

Submissions (7):

Labcorp Genetics (formerly Invitae), Labcorp
Classification: Pathogenic for Fanconi anemia complementation group O. Last evaluated: 2025-05-11. Review status: criteria provided, single submitter. Criteria: Invitae Variant Classification Sherloc (09022015). Collection method: clinical testing. Allele origin: germline.
Comment: This sequence change affects an acceptor splice site in intron 4 of the RAD51C gene. RNA analysis indicates that disruption of this splice site induces altered splicing and likely results in a shortened protein product. This variant is not present in population databases (gnomAD no frequency). Disruption of this splice site has been observed in individual(s) with breast cancer and ovarian cancer (PMID: 22006311, 22538716, 24549055, 25452441, 26261251, 26681312, 29255180, 31300551). ClinVar contains an entry for this variant (Variation ID: 631112). Studies have shown that disruption of this splice site results in skipping of exon 5, but is expected to preserve the integrity of the reading-frame (PMID: 22006311, 24139550, 33333735). This variant disrupts a region of the RAD51C protein in which other variant(s) (p.Arg258His) have been determined to be pathogenic (PMID: 20400963, 22167183, 26354865). This suggests that this is a clinically significant region of the protein, and that variants that disrupt it are likely to be disease-causing. For these reasons, this variant has been classified as Pathogenic.

Ambry Genetics
Classification: Likely pathogenic for Hereditary cancer-predisposing syndrome. Last evaluated: 2024-11-26. Review status: criteria provided, single submitter. Criteria: Ambry Variant Classification Scheme 2023. Collection method: clinical testing. Allele origin: germline.
Comment: The c.706-2A>C intronic variant results from an A to C substitution two nucleotides upstream from coding exon 5 in the RAD51C gene. This variant is considered to be rare based on population cohorts in the Genome Aggregation Database (gnomAD). This nucleotide position is highly conserved in available vertebrate species. In silico splice site analysis predicts that this alteration will weaken the native splice acceptor site and will result in the creation or strengthening of a novel splice acceptor site. RNA studies have shown that this variant leads to partial skipping of exon 5 (Sanoguera-Miralles L et al. Cancers (Basel), 2020 Dec;12; Ambry internal data). Alterations that disrupt the canonical splice site are expected to cause aberrant splicing, resulting in an abnormal protein or a transcript that is subject to nonsense-mediated mRNA decay. As such, this alteration is classified as likely pathogenic.

Myriad Genetics, Inc.
Classification: Likely pathogenic for Breast-ovarian cancer, familial, susceptibility to, 3. Last evaluated: 2024-01-03. Review status: criteria provided, single submitter. Criteria: Myriad Autosomal Dominant, Autosomal Recessive and X-Linked Classification Criteria (2023). Collection method: clinical testing. Allele origin: unknown.
Comment: This variant is considered likely pathogenic. This variant occurs within a consensus splice junction and is predicted to result in abnormal mRNA splicing of either an out-of-frame exon or an in-frame exon necessary for protein stability and/or normal function.

Fulgent Genetics
Classification: Likely pathogenic for Fanconi anemia complementation group O; Breast-ovarian cancer, familial, susceptibility to, 3. Last evaluated: 2021-12-06. Review status: criteria provided, single submitter. Criteria: ACMG Guidelines, 2015. Collection method: clinical testing. Allele origin: unknown.

Color Diagnostics, LLC DBA Color Health
Classification: Likely pathogenic for Hereditary cancer-predisposing syndrome. Last evaluated: 2019-03-29. Review status: criteria provided, single submitter. Criteria: ACMG Guidelines, 2015. Collection method: clinical testing. Allele origin: germline.

Juno Genomics, Hangzhou Juno Genomics, Inc
Classification: Likely pathogenic for Breast-ovarian cancer, familial, susceptibility to, 3; Fanconi anemia complementation group O. Review status: criteria provided, single submitter. Criteria: ACMG Guidelines, 2015. Collection method: clinical testing. Allele origin: germline.
Comment: Absent from controls (or at extremely low frequency if recessive) in Genome Aggregation Database.;Null variant in a gene where loss of function (LOF) is a known mechanism of disease.;The prevalence of the variant in affected individuals is significantly increased compared to the prevalence in controls.

Leiden Open Variation Database
Classification: Pathogenic. Last evaluated: 2019-12-23. Review status: no assertion criteria provided. Collection method: curation. Allele origin: germline. Affected: yes. Not counted in ClinVar's aggregate classification.
Comment: Curator: Arleen D. Auerbach. Submitter to LOVD: Florentia Fostira.

Literature cited by the submitters: PubMed 22006311 (cited by Labcorp Genetics (formerly Invitae), Labcorp); PubMed 22538716 (cited by Labcorp Genetics (formerly Invitae), Labcorp); PubMed 24549055 (cited by Labcorp Genetics (formerly Invitae), Labcorp); PubMed 25452441 (cited by Labcorp Genetics (formerly Invitae), Labcorp); PubMed 26261251 (cited by Labcorp Genetics (formerly Invitae), Labcorp); PubMed 26681312 (cited by Labcorp Genetics (formerly Invitae), Labcorp); PubMed 29255180 (cited by Labcorp Genetics (formerly Invitae), Labcorp); PubMed 31300551 (cited by Labcorp Genetics (formerly Invitae), Labcorp and Leiden Open Variation Database); PubMed 24139550 (cited by Labcorp Genetics (formerly Invitae), Labcorp); PubMed 33333735 (cited by Labcorp Genetics (formerly Invitae), Labcorp and Ambry Genetics); PubMed 20400963 (cited by Labcorp Genetics (formerly Invitae), Labcorp); PubMed 22167183 (cited by Labcorp Genetics (formerly Invitae), Labcorp); PubMed 26354865 (cited by Labcorp Genetics (formerly Invitae), Labcorp).